The following is an entry in ClinVar:

NM_016169.4(SUFU):c.143A>G (p.Gln48Arg)

Gene: SUFU (SUFU negative regulator of hedgehog signaling; plus strand). Cytogenetic location: 10q24.32.
Variant type: single nucleotide variant.
Coding change: c.143A>G on transcript NM_016169.4 (MANE Select); coding-DNA position 143, A replaced by G.
Protein change: p.Gln48Arg; replaces glutamine 48 with arginine.
Molecular consequence: missense variant.
Genome position (GRCh38, 1-based): chr10:102,504,295, A>G. VCF-style: chr10-102504295-A-G. GRCh37 (hg19) VCF-style: chr10-104264052-A-G.
Other names: c.143A>G, p.Gln48Arg (NM_001178133.2); short protein forms Q48R.
Identifiers: ClinVar variation 4177535 (VCV004177535.1).
Genomic context (GRCh38, chr10:102,504,295, plus strand): 5'-CGCTCTTTCCCCCGGGACTGCACGCCATCTACGGAGAGTGCCGCCGCCTTTACCCTGACC[A>G]GCCGAACCCGCTCCAGGTTACCGCTATCGTCAAGTACTGGTATGCTCTGGGCCGCGGGGA-3'
Protein context (NP_057253.2, residues 38-58): YGECRRLYPD[Gln48Arg]PNPLQVTAIV

ClinVar aggregate classification (germline): Uncertain significance (1 of 4 stars; one submission).

Conditions:
Hereditary cancer-predisposing syndrome. Also called: Neoplastic Syndromes, Hereditary; Tumor predisposition; Hereditary Cancer Syndrome; Hereditary neoplastic syndrome. Identifiers: Orphanet 140162, MedGen C0027672, MeSH D009386, MONDO:0015356.

Submission:

Ambry Genetics
Classification: Uncertain significance for Hereditary cancer-predisposing syndrome. Last evaluated: 2025-06-16. Review status: criteria provided, single submitter. Criteria: Ambry Variant Classification Scheme 2023. Collection method: clinical testing. Allele origin: germline.
Comment: The p.Q48R variant (also known as c.143A>G), located in coding exon 1 of the SUFU gene, results from an A to G substitution at nucleotide position 143. The glutamine at codon 48 is replaced by arginine, an amino acid with highly similar properties. This amino acid position is conserved. In addition, this alteration is predicted to be deleterious by in silico analysis. Based on the available evidence, the clinical significance of this variant remains unclear.